The following is an entry in ClinVar:

NM_001909.5(CTSD):c.115G>A (p.Val39Ile)

Genes: CTSD (cathepsin D; minus strand), PRADX (PRC2 and DDX5 associated lncRNA; plus strand). Cytogenetic location: 11p15.5.
Variant type: single nucleotide variant.
Coding change: c.115G>A on transcript NM_001909.5 (MANE Select); coding-DNA position 115, G replaced by A.
Protein change: p.Val39Ile; replaces valine 39 with isoleucine.
Molecular consequence: missense variant.
Genome position (GRCh38, 1-based): chr11:1,761,422, C>T on the plus strand (G>A on the coding strand, the complement: CTSD is on the minus strand). VCF-style: chr11-1761422-C-T. GRCh37 (hg19) VCF-style: chr11-1782652-C-T.
Other names: short protein forms V39I.
Identifiers: ClinVar variation 1968667 (VCV001968667.5), dbSNP rs762631372, ClinGen allele CA379099886.

ClinVar aggregate classification (germline): Uncertain significance (1 of 4 stars; one submission).

Conditions:
Neuronal ceroid lipofuscinosis. Also called: Neuronal Ceroid Lipofuscinoses. Identifiers: Orphanet 216, Orphanet 79263, MedGen C0027877, MONDO:0016295. Disease mechanism: loss of function.

Allele frequency attached by ClinVar (database versions not stated): TOPMed below 0.00001.
gnomAD v4.1: 2 of 1,613,806 alleles (0.00012%); highest among the groups gnomAD compares: Non-Finnish European, 0.000085%; no homozygotes.

Submission:

Labcorp Genetics (formerly Invitae), Labcorp
Classification: Uncertain significance for Neuronal ceroid lipofuscinosis. Last evaluated: 2022-06-20. Review status: criteria provided, single submitter. Criteria: Invitae Variant Classification Sherloc (09022015). Collection method: clinical testing. Allele origin: germline.
Comment: In summary, the available evidence is currently insufficient to determine the role of this variant in disease. Therefore, it has been classified as a Variant of Uncertain Significance. Algorithms developed to predict the effect of missense changes on protein structure and function (SIFT, PolyPhen-2, Align-GVGD) all suggest that this variant is likely to be tolerated. This variant has not been reported in the literature in individuals affected with CTSD-related conditions. This variant is not present in population databases (gnomAD no frequency). This sequence change replaces valine, which is neutral and non-polar, with isoleucine, which is neutral and non-polar, at codon 39 of the CTSD protein (p.Val39Ile).